The following is an entry in ClinVar:

ClinVar aggregate classification (germline): Uncertain significance (1 of 4 stars; one submission).

gnomAD v4.1: 11 of 1,611,196 alleles (0.00068%); highest among the groups gnomAD compares: Non-Finnish European, 0.00042%; no homozygotes.

Submission:

Labcorp Genetics (formerly Invitae), Labcorp
Classification: Uncertain significance. Last evaluated: 2024-07-02. Review status: criteria provided, single submitter. Criteria: Invitae Variant Classification Sherloc (09022015). Collection method: clinical testing. Allele origin: germline.
Comment: This sequence change falls in intron 28 of the FOCAD gene. It does not directly change the encoded amino acid sequence of the FOCAD protein. This variant is not present in population databases (gnomAD no frequency). This variant has been observed in individual(s) with colorectal adenomatous polyposis (PMID: 25219767). Algorithms developed to predict the effect of sequence changes on RNA splicing suggest that this variant may disrupt the consensus splice site. In summary, the available evidence is currently insufficient to determine the role of this variant in disease. Therefore, it has been classified as a Variant of Uncertain Significance.

Literature cited by the submitters: PubMed 25219767.

NM_001375567.1(FOCAD):c.3079-8T>A

Gene: FOCAD (focadhesin; plus strand). Cytogenetic location: 9p21.3.
Variant type: single nucleotide variant.
Coding change: c.3079-8T>A on transcript NM_001375567.1 (MANE Select); 8 bases into the intron before coding-DNA position 3079, T replaced by A.
Molecular consequence: intron variant.
Genome position (GRCh38, 1-based): chr9:20,929,350, T>A. VCF-style: chr9-20929350-T-A. GRCh37 (hg19) VCF-style: chr9-20929349-T-A.
Other names: c.3079-8T>A (NM_017794.5); c.2974-8T>A (NM_001375568.1, NM_001375570.1).
Identifiers: ClinVar variation 3720876 (VCV003720876.2).